The following is an entry in ClinVar:

NM_001384732.1(CPLANE1):c.1305G>A (p.Met435Ile)

Gene: CPLANE1 (ciliogenesis and planar polarity effector complex subunit 1; minus strand). Cytogenetic location: 5p13.2.
Variant type: single nucleotide variant.
Coding change: c.1305G>A on transcript NM_001384732.1 (MANE Select); coding-DNA position 1305, G replaced by A.
Protein change: p.Met435Ile; replaces methionine 435 with isoleucine.
Molecular consequence: missense variant.
Genome position (GRCh38, 1-based): chr5:37,227,634, C>T on the plus strand (G>A on the coding strand, the complement: CPLANE1 is on the minus strand). VCF-style: chr5-37227634-C-T. GRCh37 (hg19) VCF-style: chr5-37227736-C-T.
Other names: c.1305G>A, p.Met435Ile (NM_023073.4); short protein forms M435I.
Identifiers: ClinVar variation 3076675 (VCV003076675.1), dbSNP rs2548604182, ClinGen allele CA359504612.

ClinVar aggregate classification (germline): Uncertain significance (1 of 4 stars; one submission).

Conditions:
Inborn genetic diseases. Identifiers: MedGen C0950123, MeSH D030342.

Submission:

Ambry Genetics
Classification: Uncertain significance for Inborn genetic diseases. Last evaluated: 2021-02-09. Review status: criteria provided, single submitter. Criteria: Ambry Variant Classification Scheme 2023. Collection method: clinical testing. Allele origin: germline.
Comment: The c.1305G>A (p.M435I) alteration is located in exon 10 (coding exon 9) of the C5orf42 gene. This alteration results from a G to A substitution at nucleotide position 1305, causing the methionine (M) at amino acid position 435 to be replaced by an isoleucine (I). The p.M435I alteration is predicted to be tolerated by in silico analysis. Based on insufficient or conflicting evidence, the clinical significance of this alteration remains unclear.